The following is an entry in ClinVar:

NM_000219.6(KCNE1):c.226G>A (p.Asp76Asn)

Gene: KCNE1 (potassium voltage-gated channel subfamily E regulatory subunit 1; minus strand). Cytogenetic location: 21q22.12.
Variant type: single nucleotide variant.
Coding change: c.226G>A on transcript NM_000219.6 (MANE Select); coding-DNA position 226, G replaced by A.
Protein change: p.Asp76Asn; replaces aspartic acid 76 with asparagine.
Molecular consequence: missense variant.
Genome position (GRCh38, 1-based): chr21:34,449,409, C>T on the plus strand (G>A on the coding strand, the complement: KCNE1 is on the minus strand). VCF-style: chr21-34449409-C-T. GRCh37 (hg19) VCF-style: chr21-35821707-C-T.
Other names: c.226G>A, p.Asp76Asn (NM_001127668.4, NM_001127669.4, NM_001127670.4 and 4 more transcripts); c.226G>A (LRG_290t1); short protein forms D76N.
Identifiers: ClinVar variation 13477 (VCV000013477.87), dbSNP rs74315445, ClinGen allele CA256867.

ClinVar aggregate classification (germline): Conflicting classifications of pathogenicity. Review status: criteria provided, conflicting classifications (1 of 4 stars). 33 submissions from 30 submitters: Pathogenic (11); Likely pathogenic (13); Uncertain significance (1). 8 of the submissions do not count toward it. Last evaluated 2026-09-22.

Conditions:
KCNE1-related disorder. Also called: KCNE1-related condition.
Cardiovascular phenotype. Identifiers: MedGen CN230736.
Jervell and Lange-Nielsen syndrome (JLNS). Also called: Jervell-Lange Nielsen syndrome. Identifiers: Orphanet 90647, MedGen C0022387, MONDO:0002441.
Familial long QT syndrome (RWS). Also called: Romano-Ward syndrome; VENTRICULAR FIBRILLATION WITH PROLONGED QT INTERVAL; Congenital long QT syndrome. Identifiers: Orphanet 768, MedGen C1141890, MONDO:0019171.
Long QT syndrome 5 (LQT5). Identifiers: Orphanet 101016, Orphanet 768, MedGen C1867904, MONDO:0013372, OMIM 613695.
Jervell and Lange-Nielsen syndrome 2 (JLNS2). Identifiers: Orphanet 768, Orphanet 90647, MedGen C2676723, MONDO:0012871, OMIM 612347.
Long QT syndrome (LQTS). Identifiers: MedGen C0023976, MeSH D008133, MONDO:0002442. Disease mechanism: loss of function. Inheritance: Various modes of inheritance.
Arrhythmogenic right ventricular cardiomyopathy (ARVD). Also called: Arrhythmogenic cardiomyopathy; Cardiomyopathy, ARVC; Arrhythmogenic right ventricular dysplasia; Arrhythmogenic Right Ventricular Cardiomyopathy (ARVC). Identifiers: Orphanet 247, MedGen C0349788, MeSH D019571, MONDO:0016587. Disease mechanism: loss of function. Inheritance: Various modes of inheritance.
Jervell and Lange-Nielsen syndrome 1 (JLNS1). Also called: PROLONGED QT INTERVAL IN EKG AND SUDDEN DEATH; SURDO-CARDIAC SYNDROME; CARDIOAUDITORY SYNDROME OF JERVELL AND LANGE-NIELSEN; DEAFNESS, CONGENITAL, AND FUNCTIONAL HEART DISEASE. Identifiers: Orphanet 768, Orphanet 90647, MedGen C4551509, MONDO:0024540, OMIM 220400.

Allele frequency attached by ClinVar (database versions not stated): gnomAD exomes 0.00013 and 0.00007; gnomAD 0.00005 and 0.00006; TOPMed 0.00006; ExAC 0.00003.

Submissions 1 to 6 of 34:

PreventionGenetics, part of Exact Sciences
Classification: Pathogenic for KCNE1-related condition. Last evaluated: 2026-09-22. Review status: criteria provided, single submitter. Criteria: ACMG Guidelines, 2015. Collection method: clinical testing. Allele origin: germline.
Comment: The KCNE1 c.226G>A variant is predicted to result in the amino acid substitution p.Asp76Asn. This variant in the homozygous and compound heterozygous states has been initially reported in patients with autosomal recessive Jervell and Lange-Nielson syndrome (Schulze-Bahr et al. 1997. PubMed ID: 9354783; Duggal et al. 1998. PubMed ID: 9445165). This variant has also been reported in multiple unrelated individuals affected with autosomal dominant long QT syndrome, which has been reported to have low penetrance or mild features (Splawski et al. 1997. PubMed ID: 9354802; Tester et al. 2005. PubMed ID: 15840476; Kapplinger et al. 2009. PubMed ID: 19716085; Christiansen et al. 2014. PubMed ID: 24606995; Table S3, Roberts et al. 2020. PubMed ID: 31941373). This variant is reported in 0.011% of alleles in individuals of European (non-Finnish) descent in gnomAD. In vitro and in vivo studies have shown that the c.226G>A (p.Asp76Asn) variant suppressed potassium current by shifting the voltage dependence of activation and accelerating channel deactivation, thus leading to delayed cardiac repolarization and an increased risk of arrhythmia (Splawski et al. 1997 PubMed ID: 9354802; Bianchi et al. 1999. PubMed ID: 10400998; Hoppe et al. 2001. PubMed ID: 11320260; Kurokawa et al. 2003. PubMed ID: 12566567; Du et al. 2013. PubMed ID: 24400172). In summary, this variant is interpreted as pathogenic for autosomal dominant and autosomal recessive KCNE1 associated disorders.

Victorian Clinical Genetics Services, Murdoch Childrens Research Institute
Classification: Likely pathogenic for Long QT syndrome 5. Last evaluated: 2026-04-20. Review status: criteria provided, single submitter. Criteria: ACMG Guidelines, 2015. Collection method: clinical testing. Allele origin: germline. Affected: no.
Comment: This variant is classified as Likely pathogenic. Evidence in support of pathogenic classification: Variant is present in gnomAD <0.01 (v4: 189 heterozygote(s), 3 homozygote(s)); This variant has strong previous evidence of pathogenicity in unrelated individuals. It has frequently been reported as likely pathogenic/pathogenic, and in many individuals with long QT syndrome (ClinVar, VCGS, PMIDs: 32058015, 31941373). However it has also been reported in individuals who remained asymptomatic lifelong (PMID: 32058015). It is a weakly penetrant variant that rarely causes potentially lethal ventricular arrhythmias in the absence of additional genetic and/or acquired risk factors (PMID: 32058015). Additional information: Variant is predicted to result in a missense amino acid change from Asp to Asn; This gene is associated with both recessive and dominant disease. Biallelic and monoallelic variants in this gene have been associated with Jervell and Lange-Nielsen syndrome 2 (MIM#612347) and long QT syndrome 5 (MIM#613695), respectively. This gene has limited evidence for association with long QT syndrome, however it has strong evidence for the association with acquired long QT syndrome (PanelApp Australia, PMIDs: 31983240, 35373836); This variant has moderate functional evidence supporting abnormal protein function. Functional studies using patch clamp technique showed reduced potassium current and accelerated channel deactivation rates in multiple cell types with the variant (PMIDs: 9354802, 19340287, 24400172); No comparable missense variants have previous evidence for pathogenicity; Variant is located in the annotated ISK channel domain (DECIPHER); Missense variant with inconclusive in silico prediction and/or uninformative conservation; Loss of function is a known mechanism of disease in this gene and is associated with Jervell and Lange-Nielsen syndrome 2 (MIM#612347) and long QT syndrome 5 (MIM#613695) (PMID: 31941373). This gene has limited evidence for association with long QT syndrome, however it has strong evidence for the association with acquired long QT syndrome (PanelApp Australia, PMIDs: 31983240, 35373836); The condition associated with this gene has incomplete penetrance. Weak penetrance has been reported for KCNE1 variants associated with long QT syndrome (PMID: 31941373).

Labcorp Genetics (formerly Invitae), Labcorp
Classification: Pathogenic for Long QT syndrome. Last evaluated: 2026-01-26. Review status: criteria provided, single submitter. Criteria: Invitae Variant Classification Sherloc (09022015). Collection method: clinical testing. Allele origin: germline.
Comment: This sequence change replaces aspartic acid, which is acidic and polar, with asparagine, which is neutral and polar, at codon 76 of the KCNE1 protein (p.Asp76Asn). This variant is present in population databases (rs74315445, gnomAD 0.01%). This missense change has been observed in individual(s) with Jervell and Lange-Nielsen syndrome (JLNS) and long QT syndrome (PMID: 9354783, 9354802, 9445165, 19716085, 24561134, 24606995). It has also been observed to segregate with disease in related individuals. ClinVar contains an entry for this variant (Variation ID: 13477). Invitae Evidence Modeling of protein sequence and biophysical properties (such as structural, functional, and spatial information, amino acid conservation, physicochemical variation, residue mobility, and thermodynamic stability) indicates that this missense variant is expected to disrupt KCNE1 protein function with a positive predictive value of 95%. Experimental studies have shown that this missense change affects KCNE1 function (PMID: 9354802, 10400998, 10428953, 11874988, 12566567, 24400172). For these reasons, this variant has been classified as Pathogenic.

Variantyx, Inc.
Classification: Likely pathogenic for Long QT syndrome 5. Last evaluated: 2026-01-08. Review status: criteria provided, single submitter. Criteria: Variantyx Assertion Criteria 2022. Collection method: clinical testing. Allele origin: germline. Inheritance: Autosomal dominant inheritance.
Comment: This is a nonsynonymous variant in the KCNE1 gene (OMIM: 176261). Pathogenic variants in this gene have been associated with autosomal dominant Long QT syndrome 5. Computational algorithms produce conflicting evidence regarding the predicted functional impact of this variant (REVEL score: 0.617), but functional studies have shown that this variant alters KCNE1 protein function (PMID: 9354783, 16914890, 12566567, 19340287, 24400172, 25037568) (PS3). Moreover, the variant lies within a known hotspot for pathogenic variants or a well-established critical functional domain of the KCNE1 protein (PMID: 31835641) (PM1). This variant has a 0.0156% maximum allele frequency in non-founder control populations. Based on the current evidence, this variant is classified as likely pathogenic for autosomal dominant Long QT syndrome 5.

Genomic Medicine Center of Excellence, King Faisal Specialist Hospital and Research Centre
Classification: Likely pathogenic for Jervell and Lange-Nielsen syndrome 2. Last evaluated: 2025-09-10. Review status: criteria provided, single submitter. Criteria: ACMG Guidelines, 2015. Collection method: clinical testing. Allele origin: germline.

Mayo Clinic Laboratories, Mayo Clinic
Classification: Likely pathogenic. Last evaluated: 2025-05-14. Review status: criteria provided, single submitter. Criteria: ACMG Guidelines, 2015. Collection method: clinical testing. Allele origin: germline. Observed: 1 variant allele.
Comment: PP1_strong, PM3_supporting, PS3